The following is an entry in ClinVar:

ClinVar aggregate classification (germline): Uncertain significance (1 of 4 stars; one submission).

Conditions:
Malignant hyperthermia, susceptibility to, 1 (MHS1). Also called: Anesthesia related hyperthermia; Malignant hyperpyrexia; Fulminating hyperpyrexia; Pharmacogenic myopathy; Malignant hyperthermia suceptibility 1; RYR1-Related Malignant Hyperthermia Susceptibility. Identifiers: Orphanet 423, MedGen C2930980, MONDO:0007783, OMIM 145600.

Submission:

All of Us Research Program, National Institutes of Health
Classification: Uncertain significance for Malignant hyperthermia, susceptibility to, 1. Last evaluated: 2024-05-14. Review status: criteria provided, single submitter. Criteria: ACMG Guidelines, 2015. Collection method: clinical testing. Allele origin: germline. Inheritance: Autosomal dominant inheritance. Observed: 1 variant allele, 1 heterozygote.
Comment: This variant causes a G to T nucleotide substitution at the +5 position of intron 60 of the RYR1 gene. Splice site prediction tools suggest that this variant may have a significant impact on RNA splicing. To our knowledge, functional studies have not been reported for this variant. This variant has not been reported in individuals affected with RYR1-related disorders in the literature. Loss of RYR1 function is not an established disease mechanism for autosomal dominant malignant hyperthermia, although it is associated with other phenotype(s). This variant has not been identified in the general population by the Genome Aggregation Database (gnomAD). Due to insufficient evidence, this variant is classified as a Variant of Uncertain Significance for autosomal dominant malignant hyperthermia.

This study involves interpretation of variants in research participants for the purpose of population health screening. Participant phenotype was not available at the time of variant classification. Additional details can be found in publication PMID: 35346344, PMCID: PMC8962531

NM_000540.3(RYR1):c.9122+5G>T

Gene: RYR1 (ryanodine receptor 1; plus strand). Cytogenetic location: 19q13.2.
Variant type: single nucleotide variant.
Coding change: c.9122+5G>T on transcript NM_000540.3 (MANE Select); 5 bases into the intron after coding-DNA position 9122, G replaced by T.
Molecular consequence: intron variant.
Genome position (GRCh38, 1-based): chr19:38,510,786, G>T. VCF-style: chr19-38510786-G-T. GRCh37 (hg19) VCF-style: chr19-39001426-G-T.
Other names: c.9122+5G>T (NM_001042723.2).
Identifiers: ClinVar variation 3385493 (VCV003385493.1).